The following is an entry in ClinVar:

ClinVar aggregate classification (germline): Uncertain significance. Review status: criteria provided, multiple submitters, no conflicts (2 of 4 stars). 2 submissions from 2 submitters: Uncertain significance (2). Last evaluated 2022-12-12.

Conditions:
Cardiovascular phenotype. Identifiers: MedGen CN230736.
Hereditary cancer-predisposing syndrome. Also called: Neoplastic Syndromes, Hereditary; Hereditary Cancer Syndrome; Hereditary neoplastic syndrome; Tumor predisposition. Identifiers: Orphanet 140162, MedGen C0027672, MeSH D009386, MONDO:0015356.
Neurofibromatosis, type 1 (NF1). Also called: Neurofibromatosis, type I; VON RECKLINGHAUSEN DISEASE; Peripheral type neurofibromatosis; NEUROFIBROMATOSIS, TYPE I, SOMATIC. Identifiers: Orphanet 636, MedGen C0027831, MONDO:0018975, OMIM 162200. Disease mechanism: loss of function.

Submissions (2):

Ambry Genetics
Classification: Uncertain significance for Cardiovascular phenotype; Hereditary cancer-predisposing syndrome. Last evaluated: 2022-12-12. Review status: criteria provided, single submitter. Criteria: Ambry Variant Classification Scheme 2023. Collection method: clinical testing. Allele origin: germline.
Comment: The p.F477L variant (also known as c.1431T>A), located in coding exon 13 of the NF1 gene, results from a T to A substitution at nucleotide position 1431. The phenylalanine at codon 477 is replaced by leucine, an amino acid with highly similar properties. This amino acid position is highly conserved in available vertebrate species. In addition, this alteration is predicted to be tolerated by in silico analysis. Since supporting evidence is limited at this time, the clinical significance of this alteration remains unclear.

Labcorp Genetics (formerly Invitae), Labcorp
Classification: Uncertain significance for Neurofibromatosis, type 1. Last evaluated: 2019-12-04. Review status: criteria provided, single submitter. Criteria: Invitae Variant Classification Sherloc (09022015). Collection method: clinical testing. Allele origin: germline.
Comment: In summary, the available evidence is currently insufficient to determine the role of this variant in disease. Therefore, it has been classified as a Variant of Uncertain Significance. Algorithms developed to predict the effect of missense changes on protein structure and function are either unavailable or do not agree on the potential impact of this missense change (SIFT: "Deleterious"; PolyPhen-2: "Benign"; Align-GVGD: "Class C0"). This variant has not been reported in the literature in individuals with NF1-related conditions. This variant is not present in population databases (ExAC no frequency). This sequence change replaces phenylalanine with leucine at codon 477 of the NF1 protein (p.Phe477Leu). The phenylalanine residue is highly conserved and there is a small physicochemical difference between phenylalanine and leucine.

NM_001042492.3(NF1):c.1431T>A (p.Phe477Leu)

Gene: NF1 (neurofibromin 1; plus strand). Cytogenetic location: 17q11.2.
Variant type: single nucleotide variant.
Coding change: c.1431T>A on transcript NM_001042492.3 (MANE Select); coding-DNA position 1431, T replaced by A.
Protein change: p.Phe477Leu; replaces phenylalanine 477 with leucine.
Molecular consequence: missense variant.
Genome position (GRCh38, 1-based): chr17:31,214,489, T>A. VCF-style: chr17-31214489-T-A. GRCh37 (hg19) VCF-style: chr17-29541507-T-A.
Other names: c.1431T>A, p.Phe477Leu (NM_000267.4, NM_001128147.3); short protein forms F477L.
Identifiers: ClinVar variation 850959 (VCV000850959.8), dbSNP rs1555612278, ClinGen allele CA399001495.